The following is an entry in ClinVar:

NM_021098.3(CACNA1H):c.1432C>T (p.Leu478Phe)

Gene: CACNA1H (calcium voltage-gated channel subunit alpha1 H; plus strand). Cytogenetic location: 16p13.3.
Variant type: single nucleotide variant.
Coding change: c.1432C>T on transcript NM_021098.3 (MANE Select); coding-DNA position 1432, C replaced by T.
Protein change: p.Leu478Phe; replaces leucine 478 with phenylalanine.
Molecular consequence: missense variant.
Genome position (GRCh38, 1-based): chr16:1,201,882, C>T. VCF-style: chr16-1201882-C-T. GRCh37 (hg19) VCF-style: chr16-1251882-C-T.
Other names: c.1432C>T, p.Leu478Phe (NM_001005407.2); short protein forms L478F.
Identifiers: ClinVar variation 845858 (VCV000845858.9), dbSNP rs911317802, ClinGen allele CA276650844.

ClinVar aggregate classification (germline): Uncertain significance (1 of 4 stars; one submission).

Conditions:
Idiopathic generalized epilepsy. Also called: Generalised epilepsy; EIG. Identifiers: MedGen C0270850, MONDO:0005579, OMIM 600669.
Hyperaldosteronism, familial, type IV (HALD4). Also called: FH IV; ALDOSTERONISM, PRIMARY, AND HYPERTENSION. Identifiers: Orphanet 642671, MedGen C4310756, MONDO:0014875, OMIM 617027.

Allele frequency attached by ClinVar (database versions not stated): gnomAD exomes below 0.00001; TOPMed below 0.00001.
gnomAD v4.1: 3 of 1,552,776 alleles (0.00019%); highest among the groups gnomAD compares: East Asian, 0.0024%; no homozygotes.

Submission:

Labcorp Genetics (formerly Invitae), Labcorp
Classification: Uncertain significance for Idiopathic generalized epilepsy; Hyperaldosteronism, familial, type IV. Last evaluated: 2025-01-09. Review status: criteria provided, single submitter. Criteria: Invitae Variant Classification Sherloc (09022015). Collection method: clinical testing. Allele origin: germline.
Comment: This sequence change replaces leucine, which is neutral and non-polar, with phenylalanine, which is neutral and non-polar, at codon 478 of the CACNA1H protein (p.Leu478Phe). This variant is not present in population databases (gnomAD no frequency). This variant has not been reported in the literature in individuals affected with CACNA1H-related conditions. ClinVar contains an entry for this variant (Variation ID: 845858). Invitae Evidence Modeling of protein sequence and biophysical properties (such as structural, functional, and spatial information, amino acid conservation, physicochemical variation, residue mobility, and thermodynamic stability) indicates that this missense variant is not expected to disrupt CACNA1H protein function with a negative predictive value of 80%. In summary, the available evidence is currently insufficient to determine the role of this variant in disease. Therefore, it has been classified as a Variant of Uncertain Significance.